The following is an entry in ClinVar:

NM_006059.4(LAMC3):c.3158T>A (p.Leu1053Gln)

Gene: LAMC3 (laminin subunit gamma 3; plus strand). Cytogenetic location: 9q34.12.
Variant type: single nucleotide variant.
Coding change: c.3158T>A on transcript NM_006059.4 (MANE Select); coding-DNA position 3158, T replaced by A.
Protein change: p.Leu1053Gln; replaces leucine 1053 with glutamine.
Molecular consequence: missense variant.
Genome position (GRCh38, 1-based): chr9:131,071,572, T>A. VCF-style: chr9-131071572-T-A. GRCh37 (hg19) VCF-style: chr9-133946959-T-A.
Other names: short protein forms L1053Q.
Identifiers: ClinVar variation 2127723 (VCV002127723.4), dbSNP rs2538306823, ClinGen allele CA375257394.
Genomic context (GRCh38, chr9:131,071,572, plus strand): 5'-TGACGGAGGGGTGGCTCCAAGGGTCCGACTGTGGCAGTCCCTGGGGACCACTAGACATTC[T>A]GCTGGGAGAGGCCCCAAGGGGGGACGTCTACCAGGGCCATCACCTGCTTCCAGGTACAGC-3'
Protein context (NP_006050.3, residues 1043-1063): CGSPWGPLDI[Leu1053Gln]LGEAPRGDVY

ClinVar aggregate classification (germline): Uncertain significance (1 of 4 stars; one submission).

Submission:

Labcorp Genetics (formerly Invitae), Labcorp
Classification: Uncertain significance. Last evaluated: 2025-05-27. Review status: criteria provided, single submitter. Criteria: Invitae Variant Classification Sherloc (09022015). Collection method: clinical testing. Allele origin: germline.
Comment: This sequence change replaces leucine, which is neutral and non-polar, with glutamine, which is neutral and polar, at codon 1053 of the LAMC3 protein (p.Leu1053Gln). This variant is not present in population databases (gnomAD no frequency). This variant has not been reported in the literature in individuals affected with LAMC3-related conditions. ClinVar contains an entry for this variant (Variation ID: 2127723). An algorithm developed to predict the effect of missense changes on protein structure and function (PolyPhen-2) suggests that this variant is likely to be disruptive. In summary, the available evidence is currently insufficient to determine the role of this variant in disease. Therefore, it has been classified as a Variant of Uncertain Significance.